The following is an entry in ClinVar:

NM_018109.4(MTPAP):c.1556T>C (p.Ile519Thr)

Gene: MTPAP (mitochondrial poly(A) polymerase; minus strand). Cytogenetic location: 10p11.23.
Variant type: single nucleotide variant.
Coding change: c.1556T>C on transcript NM_018109.4 (MANE Select); coding-DNA position 1556, T replaced by C.
Protein change: p.Ile519Thr; replaces isoleucine 519 with threonine.
Molecular consequence: missense variant.
Genome position (GRCh38, 1-based): chr10:30,313,802, A>G on the plus strand (T>C on the coding strand, the complement: MTPAP is on the minus strand). VCF-style: chr10-30313802-A-G. GRCh37 (hg19) VCF-style: chr10-30602731-A-G.
Other names: short protein forms I519T.
Identifiers: ClinVar variation 3907962 (VCV003907962.1).

ClinVar aggregate classification (germline): Uncertain significance (1 of 4 stars; one submission).

gnomAD v4.1: 26 of 1,614,182 alleles (0.0016%); highest among the groups gnomAD compares: Non-Finnish European, 0.002%; no homozygotes.

Submission:

GeneDx
Classification: Uncertain significance. Last evaluated: 2024-12-27. Review status: criteria provided, single submitter. Criteria: GeneDx Variant Classification Process June 2021. Collection method: clinical testing. Allele origin: germline. Affected: yes.
Comment: Not observed at significant frequency in large population cohorts (gnomAD); In silico analysis indicates that this missense variant does not alter protein structure/function; Has not been previously published as pathogenic or benign to our knowledge